The following is an entry in ClinVar:

ClinVar aggregate classification (germline): Uncertain significance (1 of 4 stars; one submission).

Allele frequency attached by ClinVar (database versions not stated): TOPMed below 0.00001; ExAC 0.00001; gnomAD exomes 0.00001.

Submission:

Labcorp Genetics (formerly Invitae), Labcorp
Classification: Uncertain significance. Last evaluated: 2023-11-18. Review status: criteria provided, single submitter. Criteria: Invitae Variant Classification Sherloc (09022015). Collection method: clinical testing. Allele origin: germline.
Comment: This sequence change replaces arginine, which is basic and polar, with tryptophan, which is neutral and slightly polar, at codon 158 of the PTPN23 protein (p.Arg158Trp). This variant is present in population databases (rs770368502, gnomAD 0.01%). This variant has not been reported in the literature in individuals affected with PTPN23-related conditions. ClinVar contains an entry for this variant (Variation ID: 1523584). Experimental studies and prediction algorithms are not available or were not evaluated, and the functional significance of this variant is currently unknown. In summary, the available evidence is currently insufficient to determine the role of this variant in disease. Therefore, it has been classified as a Variant of Uncertain Significance.

NM_015466.4(PTPN23):c.472C>T (p.Arg158Trp)

Gene: PTPN23 (protein tyrosine phosphatase non-receptor type 23; plus strand). Cytogenetic location: 3p21.31.
Variant type: single nucleotide variant.
Coding change: c.472C>T on transcript NM_015466.4 (MANE Select); coding-DNA position 472, C replaced by T.
Protein change: p.Arg158Trp; replaces arginine 158 with tryptophan.
Molecular consequence: missense variant.
Genome position (GRCh38, 1-based): chr3:47,405,972, C>T. VCF-style: chr3-47405972-C-T. GRCh37 (hg19) VCF-style: chr3-47447462-C-T.
Other names: c.94C>T, p.Arg32Trp (NM_001304482.2); short protein forms R32W, R158W.
Identifiers: ClinVar variation 1523584 (VCV001523584.4), dbSNP rs770368502, ClinGen allele CA2365341.